The following is an entry in ClinVar:

NM_003904.5(ZPR1):c.754-7G>T

Gene: ZPR1 (ZPR1 zinc finger; minus strand). Cytogenetic location: 11q23.3.
Variant type: single nucleotide variant.
Coding change: c.754-7G>T on transcript NM_003904.5 (MANE Select); 7 bases into the intron before coding-DNA position 754, G replaced by T.
Molecular consequence: intron variant.
Genome position (GRCh38, 1-based): chr11:116,784,928, C>A on the plus strand (G>T on the coding strand, the complement: ZPR1 is on the minus strand). VCF-style: chr11-116784928-C-A. GRCh37 (hg19) VCF-style: chr11-116655644-C-A.
Other names: c.592-7G>T (NM_001317086.2).
Identifiers: ClinVar variation 4821038 (VCV004821038.4).
Genomic context (GRCh38, chr11:116,784,928, plus strand): 5'-GTTGGTCTGAGCGGGGGCATTGCATTCTGGGCAGTTTGTGCTGAACTGGAGCACCTGGAA[C>A]ACAACATGAGGACAAAGGGTGAGCCCTCCCAGATGGGATGTTCAGGCTAAAGACACTCAG-3'

ClinVar aggregate classification (germline): Uncertain significance (1 of 4 stars; one submission).

gnomAD v4.1: 414 of 1,614,026 alleles (0.026%); highest among the groups gnomAD compares: Non-Finnish European, 0.032%; no homozygotes.

Submission:

CeGaT Center for Human Genetics Tuebingen
Classification: Uncertain significance. Last evaluated: 2026-02-01. Review status: criteria provided, single submitter. Criteria: CeGaT Center For Human Genetics Tuebingen Variant Classification Criteria Version 2. Collection method: clinical testing. Allele origin: germline. Affected: yes. Observed: 1 variant allele.
Comment: ZPR1: PM2, BP4